The following is an entry in ClinVar:

ClinVar aggregate classification (germline): Uncertain significance. Review status: criteria provided, single submitter (1 of 4 stars). 2 submissions from 2 submitters: Uncertain significance (1). 1 of the submissions does not count toward it. Last evaluated 2021-08-27.

Conditions:
Becker muscular dystrophy (BMD). Also called: MUSCULAR DYSTROPHY, PSEUDOHYPERTROPHIC PROGRESSIVE, BECKER TYPE; Becker Muscular Dystrophy (BMD). Identifiers: Orphanet 98895, MedGen C0917713, MONDO:0010311, OMIM 300376.
Cardiomyopathy (CMYO). Also called: Cardiomyopathies. Identifiers: Orphanet 167848, MedGen C0878544, MONDO:0004994, HP:0001638. Inheritance: Various modes of inheritance.
Duchenne muscular dystrophy (DMD). Also called: MUSCULAR DYSTROPHY, PSEUDOHYPERTROPHIC PROGRESSIVE, DUCHENNE TYPE; Duchenne Muscular Dystrophy (DMD). Identifiers: Orphanet 98896, MedGen C0013264, MONDO:0010679, OMIM 310200.
Dystrophin deficiency.

Allele frequency attached by ClinVar (database versions not stated): gnomAD exomes below 0.00001.
gnomAD v4.1: 2 of 1,211,742 alleles (0.00017%); highest among the groups gnomAD compares: Non-Finnish European, 0.00022%; no homozygotes.

Submissions (2):

Labcorp Genetics (formerly Invitae), Labcorp
Classification: Uncertain significance for Duchenne muscular dystrophy. Last evaluated: 2021-08-27. Review status: criteria provided, single submitter. Criteria: Invitae Variant Classification Sherloc (09022015). Collection method: clinical testing. Allele origin: germline.
Comment: This sequence change replaces leucine with proline at codon 907 of the DMD protein (p.Leu907Pro). The leucine residue is highly conserved and there is a moderate physicochemical difference between leucine and proline. This variant is not present in population databases (ExAC no frequency). This variant has not been reported in the literature in individuals affected with DMD-related conditions. Algorithms developed to predict the effect of missense changes on protein structure and function (SIFT, PolyPhen-2, Align-GVGD) all suggest that this variant is likely to be disruptive. In summary, the available evidence is currently insufficient to determine the role of this variant in disease. Therefore, it has been classified as a Variant of Uncertain Significance.

Natera, Inc.
Classification: Uncertain significance for Becker muscular dystrophy; Cardiomyopathy; Duchenne muscular dystrophy; Dystrophin deficiency. Last evaluated: 2019-08-12. Review status: no assertion criteria provided. Collection method: clinical testing. Allele origin: germline. Not counted in ClinVar's aggregate classification.

NM_004006.3(DMD):c.2720T>C (p.Leu907Pro)

Gene: DMD (dystrophin; minus strand). Cytogenetic location: Xp21.1.
Variant type: single nucleotide variant.
Coding change: c.2720T>C on transcript NM_004006.3 (MANE Select); coding-DNA position 2720, T replaced by C.
Protein change: p.Leu907Pro; replaces leucine 907 with proline.
Molecular consequence: missense variant.
Genome position (GRCh38, 1-based): chrX:32,485,002, A>G on the plus strand (T>C on the coding strand, the complement: DMD is on the minus strand). VCF-style: chrX-32485002-A-G. GRCh37 (hg19) VCF-style: chrX-32503119-A-G.
Other names: c.2696T>C, p.Leu899Pro (NM_000109.4); c.2708T>C, p.Leu903Pro (NM_004009.3); c.2351T>C, p.Leu784Pro (NM_004010.3); short protein forms L907P, L903P, L784P, L899P.
Identifiers: ClinVar variation 409935 (VCV000409935.7), dbSNP rs1060502654, ClinGen allele CA16616686.